The following is an entry in ClinVar:

NM_021098.3(CACNA1H):c.1567CAC[5] (p.His528del)

Gene: CACNA1H (calcium voltage-gated channel subunit alpha1 H; plus strand). Cytogenetic location: 16p13.3.
Variant type: Microsatellite.
Coding change: c.1567CAC[5] on transcript NM_021098.3 (MANE Select); five copies in a row of the 3-base unit CAC starting at c.1567; the reference has six copies in a row; one copy, 3 bases deleted.
Protein change: p.His528del; deletes histidine 528.
Molecular consequence: inframe deletion.
Genome position (GRCh38, 1-based): chr16:1,202,032-1,202,034, CAC deleted; deleting any 3 consecutive bases within chr16:1,202,017-1,202,034 gives the same sequence; the position shown is the placement nearest the transcript's 3' end. VCF-style (leftmost placement, unchanged base first): chr16-1202016-TCAC-T. GRCh37 (hg19) VCF-style: chr16-1252016-TCAC-T.
Other names: c.1567CAC[5], p.His528del (NM_001005407.2); short protein forms H528del.
Identifiers: ClinVar variation 2934085 (VCV002934085.3), dbSNP rs760736442, ClinGen allele CA7799966.

ClinVar aggregate classification (germline): Uncertain significance (1 of 4 stars; one submission).

Conditions:
Idiopathic generalized epilepsy. Also called: Generalised epilepsy; EIG. Identifiers: MedGen C0270850, MONDO:0005579, OMIM 600669.
Hyperaldosteronism, familial, type IV (HALD4). Also called: FH IV; ALDOSTERONISM, PRIMARY, AND HYPERTENSION. Identifiers: Orphanet 642671, MedGen C4310756, MONDO:0014875, OMIM 617027.

Submission:

Labcorp Genetics (formerly Invitae), Labcorp
Classification: Uncertain significance for Idiopathic generalized epilepsy; Hyperaldosteronism, familial, type IV. Last evaluated: 2025-04-10. Review status: criteria provided, single submitter. Criteria: Invitae Variant Classification Sherloc (09022015). Collection method: clinical testing. Allele origin: germline.
Comment: This variant, c.1582_1584del, results in the deletion of 1 amino acid(s) of the CACNA1H protein (p.His528del), but otherwise preserves the integrity of the reading frame. The frequency data for this variant in the population databases is considered unreliable, as metrics indicate poor data quality at this position in the gnomAD database. This variant has not been reported in the literature in individuals affected with CACNA1H-related conditions. Experimental studies and prediction algorithms are not available or were not evaluated, and the functional significance of this variant is currently unknown. In summary, the available evidence is currently insufficient to determine the role of this variant in disease. Therefore, it has been classified as a Variant of Uncertain Significance.